The following is an entry in ClinVar:

ClinVar aggregate classification (germline): Benign. Review status: criteria provided, multiple submitters, no conflicts (2 of 4 stars). 4 submissions from 4 submitters: Benign (4). Last evaluated 2021-11-07.

Conditions:
Bartsocas-Papas syndrome 1. Also called: Bartsocas-Papas syndrome; MULTIPLE PTERYGIUM SYNDROME, ASLAN TYPE; PTERYGIUM, POPLITEAL, LETHAL TYPE. Identifiers: Orphanet 1234, MedGen C1849718, MONDO:0009901, OMIM 263650.

Allele frequency attached by ClinVar (database versions not stated): 1000 Genomes Project 30x 0.12274; 1000 Genomes Project 0.12600; gnomAD exomes 0.12921; ExAC 0.13305; gnomAD 0.13904 and 0.13905; TOPMed 0.14152; ESP Exome Variant Server 0.14678.
gnomAD v4.1: 219,035 of 1,614,038 alleles (14%); highest among the groups gnomAD compares: Middle Eastern, 22%; 15,923 homozygotes.

Submissions (4):

Genome-Nilou Lab
Classification: Benign for Bartsocas-Papas syndrome 1. Last evaluated: 2021-11-07. Review status: criteria provided, single submitter. Criteria: ACMG Guidelines, 2015. Collection method: clinical testing. Allele origin: germline. Affected: no.

GeneDx
Classification: Benign. Last evaluated: 2019-09-05. Review status: criteria provided, single submitter. Criteria: GeneDx Variant Classification Process June 2021. Collection method: clinical testing. Allele origin: germline. Affected: yes.

Illumina Laboratory Services, Illumina
Classification: Benign for Bartsocas-Papas syndrome 1. Last evaluated: 2018-01-13. Review status: criteria provided, single submitter. Criteria: ICSL Variant Classification Criteria 13 December 2019. Collection method: clinical testing. Allele origin: germline.
Comment: This variant was observed in the ICSL laboratory as part of a predisposition screen in an ostensibly healthy population. It had not been previously curated by ICSL or reported in the Human Gene Mutation Database (HGMD: prior to June 1st, 2018), and was therefore a candidate for classification through an automated scoring system. Utilizing variant allele frequency, disease prevalence and penetrance estimates, and inheritance mode, an automated score was calculated to assess if this variant is too frequent to cause the disease. Based on the score and internal cut-off values, a variant classified as benign is not then subjected to further curation. The score for this variant resulted in a classification of benign for this disease.

Breakthrough Genomics
Classification: Benign. Review status: criteria provided, single submitter. Criteria: ACMG Guidelines, 2015. Collection method: not provided. Allele origin: germline. Inheritance: Autosomal recessive inheritance. Affected: yes.

NM_020639.3(RIPK4):c.327T>C (p.Ala109=)

Gene: RIPK4 (receptor interacting serine/threonine kinase 4; minus strand). Cytogenetic location: 21q22.3.
Variant type: single nucleotide variant.
Coding change: c.327T>C on transcript NM_020639.3 (MANE Select); coding-DNA position 327, T replaced by C.
Protein change: p.Ala109=; no amino-acid change (alanine 109 retained).
Molecular consequence: synonymous variant.
Genome position (GRCh38, 1-based): chr21:41,756,672, A>G on the plus strand (T>C on the coding strand, the complement: RIPK4 is on the minus strand). VCF-style: chr21-41756672-A-G. GRCh37 (hg19) VCF-style: chr21-43176832-A-G.
Identifiers: ClinVar variation 340032 (VCV000340032.9), dbSNP rs2277791, ClinGen allele CA10035797.